The following is an entry in ClinVar:

NM_020778.5(ALPK3):c.1712T>C (p.Val571Ala)

Gene: ALPK3 (alpha kinase 3; plus strand). Cytogenetic location: 15q25.3.
Variant type: single nucleotide variant.
Coding change: c.1712T>C on transcript NM_020778.5 (MANE Select); coding-DNA position 1712, T replaced by C.
Protein change: p.Val571Ala; replaces valine 571 with alanine.
Molecular consequence: missense variant.
Genome position (GRCh38, 1-based): chr15:84,856,450, T>C. VCF-style: chr15-84856450-T-C. GRCh37 (hg19) VCF-style: chr15-85399681-T-C.
Other names: short protein forms V571A.
Identifiers: ClinVar variation 1383792 (VCV001383792.6), dbSNP rs2141567118, ClinGen allele CA393354331.

ClinVar aggregate classification (germline): Uncertain significance (1 of 4 stars; one submission).

Submission:

Labcorp Genetics (formerly Invitae), Labcorp
Classification: Uncertain significance. Last evaluated: 2022-08-16. Review status: criteria provided, single submitter. Criteria: Invitae Variant Classification Sherloc (09022015). Collection method: clinical testing. Allele origin: germline.
Comment: ClinVar contains an entry for this variant (Variation ID: 1383792). This sequence change replaces valine, which is neutral and non-polar, with alanine, which is neutral and non-polar, at codon 773 of the ALPK3 protein (p.Val773Ala). This variant is not present in population databases (gnomAD no frequency). This variant has not been reported in the literature in individuals affected with ALPK3-related conditions. Algorithms developed to predict the effect of missense changes on protein structure and function output the following: SIFT: "Tolerated"; PolyPhen-2: "Benign"; Align-GVGD: "Class C0". The alanine amino acid residue is found in multiple mammalian species, which suggests that this missense change does not adversely affect protein function. In summary, the available evidence is currently insufficient to determine the role of this variant in disease. Therefore, it has been classified as a Variant of Uncertain Significance.